The following is an entry in ClinVar:

ClinVar aggregate classification (germline): Uncertain significance (1 of 4 stars; one submission).

Submission:

GeneDx
Classification: Uncertain significance. Last evaluated: 2024-10-22. Review status: criteria provided, single submitter. Criteria: GeneDx Variant Classification Process June 2021. Collection method: clinical testing. Allele origin: germline.
Comment: Not observed at significant frequency in large population cohorts (gnomAD); Frameshift variant predicted to result in protein truncation or nonsense mediated decay in a gene or region of a gene for which loss of function is not a well-established mechanism of disease; Has not been previously published as pathogenic or benign to our knowledge; Variants in candidate genes are classified as variants of uncertain significance in accordance with ACMG guidelines (PMID: 25741868)

NM_001103146.3(GIGYF2):c.1071_1072insC (p.Lys358fs)

Gene: GIGYF2 (GRB10 interacting GYF protein 2; plus strand). Cytogenetic location: 2q37.1.
Variant type: Insertion.
Coding change: c.1071_1072insC on transcript NM_001103146.3 (MANE Select); coding-DNA positions 1071 to 1072, C inserted.
Protein change: p.Lys358fs; shifts the reading frame from lysine 358.
Molecular consequence: frameshift variant. On other transcripts: non-coding transcript variant (1).
Genome position: GRCh38 VCF-style: chr2-232791148-G-GC. GRCh37 (hg19) VCF-style: chr2-233655858-G-GC.
Other names: c.1137_1138insC, p.Lys380fs (NM_001103147.2); c.1053_1054insC, p.Lys352fs (NM_001103148.2); c.1071_1072insC, p.Lys358fs (NM_015575.4); short protein forms K352fs, K358fs, K380fs.
Identifiers: ClinVar variation 4975063 (VCV004975063.1).